The following is an entry in ClinVar:

ClinVar aggregate classification (germline): Likely benign (1 of 4 stars; one submission).

gnomAD v4.1: 4 of 1,614,234 alleles (0.00025%); highest among the groups gnomAD compares: Non-Finnish European, 0.000085%; no homozygotes.

Submission:

CeGaT Center for Human Genetics Tuebingen
Classification: Likely benign. Last evaluated: 2022-10-01. Review status: criteria provided, single submitter. Criteria: CeGaT Center For Human Genetics Tuebingen Variant Classification Criteria Version 2. Collection method: clinical testing. Allele origin: germline. Affected: yes. Observed: 1 variant allele.
Comment: JMJD1C: BP4, BP7

NM_032776.3(JMJD1C):c.2475C>T (p.His825=)

Gene: JMJD1C (jumonji domain containing 1C; minus strand). Cytogenetic location: 10q21.3.
Variant type: single nucleotide variant.
Coding change: c.2475C>T on transcript NM_032776.3 (MANE Select); coding-DNA position 2475, C replaced by T.
Protein change: p.His825=; no amino-acid change (histidine 825 retained).
Molecular consequence: synonymous variant. On other transcripts: non-coding transcript variant (1).
Genome position (GRCh38, 1-based): chr10:63,213,692, G>A on the plus strand (C>T on the coding strand, the complement: JMJD1C is on the minus strand). VCF-style: chr10-63213692-G-A. GRCh37 (hg19) VCF-style: chr10-64973452-G-A.
Other names: c.1929C>T, p.His643= (NM_001282948.2, NM_001318154.2); c.1611C>T, p.His537= (NM_001318153.2); c.2361C>T, p.His787= (NM_001322252.2); c.1818C>T, p.His606= (NM_001322254.2, NM_001322258.2).
Identifiers: ClinVar variation 2640511 (VCV002640511.24), dbSNP rs1433876948, ClinGen allele CA469999091.
Genomic context (GRCh38, chr10:63,213,692, plus strand): 5'-AAGAAGATGAGGTGACTGGTGCTGTAACAACTGTTGTTGTTGCTGGTGTGCTAGCGCTAA[G>A]TGGCTCAAGCTGCTGGCATGAGCACTCTCTAGTCGTGGGTGGCCACCAAGTAAGGAGGCA-3'
Protein context (NP_116165.1, residues 815-835): LESAHASSLS[His825=]LALAHQQQQQ